The following is an entry in ClinVar:

NM_030958.3(SLCO5A1):c.1151T>C (p.Phe384Ser)

Gene: SLCO5A1 (solute carrier organic anion transporter family member 5A1; minus strand). Cytogenetic location: 8q13.3.
Variant type: single nucleotide variant.
Coding change: c.1151T>C on transcript NM_030958.3 (MANE Select); coding-DNA position 1151, T replaced by C.
Protein change: p.Phe384Ser; replaces phenylalanine 384 with serine.
Molecular consequence: missense variant.
Genome position (GRCh38, 1-based): chr8:69,755,531, A>G on the plus strand (T>C on the coding strand, the complement: SLCO5A1 is on the minus strand). VCF-style: chr8-69755531-A-G. GRCh37 (hg19) VCF-style: chr8-70667766-A-G.
Other names: c.1151T>C (NM_030958.2); c.1151T>C, p.Phe384Ser (NM_001146008.2, NM_001146009.1); short protein forms F384S.
Identifiers: ClinVar variation 1935544 (VCV001935544.6), dbSNP rs776764470, ClinGen allele CA4776646.

ClinVar aggregate classification (germline): Uncertain significance. Review status: criteria provided, multiple submitters, no conflicts (2 of 4 stars). 2 submissions from 2 submitters: Uncertain significance (2). Last evaluated 2025-10-29.

Allele frequency attached by ClinVar (database versions not stated): gnomAD exomes 0.00001; ExAC 0.00002.
gnomAD v4.1: 5 of 1,614,062 alleles (0.00031%); highest among the groups gnomAD compares: Admixed American, 0.0083%; no homozygotes.

Submissions (2):

Ambry Genetics
Classification: Uncertain significance. Last evaluated: 2025-10-29. Review status: criteria provided, single submitter. Criteria: Ambry Variant Classification Scheme 2023. Collection method: clinical testing. Allele origin: germline.

Labcorp Genetics (formerly Invitae), Labcorp
Classification: Uncertain significance. Last evaluated: 2022-05-25. Review status: criteria provided, single submitter. Criteria: Invitae Variant Classification Sherloc (09022015). Collection method: clinical testing. Allele origin: germline.
Comment: In summary, the available evidence is currently insufficient to determine the role of this variant in disease. Therefore, it has been classified as a Variant of Uncertain Significance. Algorithms developed to predict the effect of missense changes on protein structure and function output the following: SIFT: "Tolerated"; PolyPhen-2: "Benign"; Align-GVGD: "Class C0". The serine amino acid residue is found in multiple mammalian species, which suggests that this missense change does not adversely affect protein function. This variant has not been reported in the literature in individuals affected with SLCO5A1-related conditions. This variant is present in population databases (rs776764470, gnomAD 0.01%). This sequence change replaces phenylalanine, which is neutral and non-polar, with serine, which is neutral and polar, at codon 384 of the SLCO5A1 protein (p.Phe384Ser).